The following is an entry in ClinVar:

NM_022437.3(ABCG8):c.551G>A (p.Arg184His)

Gene: ABCG8 (ATP binding cassette subfamily G member 8; plus strand). Cytogenetic location: 2p21.
Variant type: single nucleotide variant.
Coding change: c.551G>A on transcript NM_022437.3 (MANE Select); coding-DNA position 551, G replaced by A.
Protein change: p.Arg184His; replaces arginine 184 with histidine.
Molecular consequence: missense variant.
Genome position (GRCh38, 1-based): chr2:43,851,812, G>A. VCF-style: chr2-43851812-G-A. GRCh37 (hg19) VCF-style: chr2-44078951-G-A.
Other names: c.551G>A, p.Arg184His (NM_001357321.2); short protein forms R184H.
Identifiers: ClinVar variation 291020 (VCV000291020.16), dbSNP rs766212636, ClinGen allele CA1637048.

ClinVar aggregate classification (germline): Uncertain significance. Review status: criteria provided, multiple submitters, no conflicts (2 of 4 stars). 6 submissions from 6 submitters: Uncertain significance (6). Last evaluated 2024-12-26.

Conditions:
ABCG8-related disorder. Also called: ABCG8-related condition.
Sitosterolemia 1. Identifiers: MedGen C2749759, MONDO:0020747, OMIM 210250.
Cardiovascular phenotype. Identifiers: MedGen CN230736.

Allele frequency attached by ClinVar (database versions not stated): ExAC 0.00001; gnomAD exomes 0.00002; gnomAD 0.00009; TOPMed 0.00012.
gnomAD v4.1: 33 of 1,614,058 alleles (0.002%); highest among the groups gnomAD compares: African/African-American, 0.021%; no homozygotes.

Submissions (6):

Revvity Omics, Revvity
Classification: Uncertain significance for Sitosterolemia 1. Last evaluated: 2024-12-26. Review status: criteria provided, single submitter. Criteria: ACMG Guidelines, 2015. Collection method: clinical testing. Allele origin: germline.

PreventionGenetics, part of Exact Sciences
Classification: Uncertain significance for ABCG8-related condition. Last evaluated: 2024-10-31. Review status: criteria provided, single submitter. Criteria: ACMG Guidelines, 2015. Collection method: clinical testing. Allele origin: germline.
Comment: The ABCG8 c.551G>A variant is predicted to result in the amino acid substitution p.Arg184His. This variant was reported along with an ABCG8 nonsense variant in an individual with sitosterolaemia (Lu et al. 2001. PubMed ID: 11452359). This variant was also reported in a study of variants for inherited hemostasis disorders in UK Biobank participants (Supplemental Table 3.3, Stefanucci et al. 2023. PubMed ID: 37647632). This variant is reported in 0.012% of alleles in individuals of African descent in gnomAD. At this time, the clinical significance of this variant is uncertain due to the absence of conclusive functional and genetic evidence.

Ambry Genetics
Classification: Uncertain significance for Cardiovascular phenotype. Last evaluated: 2023-11-20. Review status: criteria provided, single submitter. Criteria: Ambry Variant Classification Scheme 2023. Collection method: clinical testing. Allele origin: germline.
Comment: The p.R184H variant (also known as c.551G>A), located in coding exon 4 of the ABCG8 gene, results from a G to A substitution at nucleotide position 551. The arginine at codon 184 is replaced by histidine, an amino acid with highly similar properties. This alteration was reported as a compound heterozygote in a sitosterolemia cohort (Lu K et al. Am J Hum Genet, 2001 Aug;69:278-90). This amino acid position is highly conserved in available vertebrate species. In addition, this alteration is predicted to be tolerated by in silico analysis. Since supporting evidence is limited at this time, the clinical significance of this alteration remains unclear.

Labcorp Genetics (formerly Invitae), Labcorp
Classification: Uncertain significance. Last evaluated: 2022-04-19. Review status: criteria provided, single submitter. Criteria: Invitae Variant Classification Sherloc (09022015). Collection method: clinical testing. Allele origin: germline.
Comment: Algorithms developed to predict the effect of missense changes on protein structure and function are either unavailable or do not agree on the potential impact of this missense change (SIFT: "Deleterious"; PolyPhen-2: "Benign"; Align-GVGD: "Class C0"). This sequence change replaces arginine, which is basic and polar, with histidine, which is basic and polar, at codon 184 of the ABCG8 protein (p.Arg184His). This variant is present in population databases (rs766212636, gnomAD 0.008%). This missense change has been observed in individual(s) with sitosterolemia (PMID: 11452359). This variant is also known as c.641G>A. ClinVar contains an entry for this variant (Variation ID: 291020). In summary, the available evidence is currently insufficient to determine the role of this variant in disease. Therefore, it has been classified as a Variant of Uncertain Significance.

AiLife Diagnostics
Classification: Uncertain significance. Last evaluated: 2021-11-17. Review status: criteria provided, single submitter. Criteria: ACMG Guidelines, 2015. Collection method: clinical testing. Allele origin: germline. Affected: yes. Observed: 1 variant allele.

Eurofins Ntd Llc (ga)
Classification: Uncertain significance. Last evaluated: 2016-08-29. Review status: criteria provided, single submitter. Criteria: EGL Classification Definitions 2015. Collection method: clinical testing. Allele origin: germline. Observed: 1 variant allele, 1 heterozygote.

Literature cited by the submitters: PubMed 11452359 (cited by 3 submitters).